The following is an entry in ClinVar:

NM_014244.5(ADAMTS2):c.*1247C>T

Gene: ADAMTS2 (ADAM metallopeptidase with thrombospondin type 1 motif 2; minus strand). Cytogenetic location: 5q35.3.
Variant type: single nucleotide variant.
Coding change: c.*1247C>T on transcript NM_014244.5 (MANE Select); 1247 bases downstream of the stop codon, C replaced by T.
Molecular consequence: 3 prime UTR variant.
Genome position (GRCh38, 1-based): chr5:179,112,620, G>A on the plus strand (C>T on the coding strand, the complement: ADAMTS2 is on the minus strand). VCF-style: chr5-179112620-G-A. GRCh37 (hg19) VCF-style: chr5-178539621-G-A.
Identifiers: ClinVar variation 353068 (VCV000353068.5), dbSNP rs77506744, ClinGen allele CA10621490.

ClinVar aggregate classification (germline): Benign (1 of 4 stars; one submission).

Conditions:
Ehlers-Danlos syndrome, dermatosparaxis type. Also called: EDS VIIC; Dermatosparaxis; Ehlers-Danlos syndrome, type VII, autosomal recessive. Identifiers: Orphanet 1901, MedGen C2700425, MONDO:0009161, OMIM 225410.

Allele frequency attached by ClinVar (database versions not stated): TOPMed 0.00877; gnomAD 0.00924; 1000 Genomes Project 0.00938; 1000 Genomes Project 30x 0.01062.

Submission:

Illumina Laboratory Services, Illumina
Classification: Benign for Ehlers-Danlos syndrome, dermatosparaxis type. Last evaluated: 2018-01-12. Review status: criteria provided, single submitter. Criteria: ICSL Variant Classification Criteria 13 December 2019. Collection method: clinical testing. Allele origin: germline.
Comment: This variant was observed in the ICSL laboratory as part of a predisposition screen in an ostensibly healthy population. It had not been previously curated by ICSL or reported in the Human Gene Mutation Database (HGMD: prior to June 1st, 2018), and was therefore a candidate for classification through an automated scoring system. Utilizing variant allele frequency, disease prevalence and penetrance estimates, and inheritance mode, an automated score was calculated to assess if this variant is too frequent to cause the disease. Based on the score and internal cut-off values, a variant classified as benign is not then subjected to further curation. The score for this variant resulted in a classification of benign for this disease.